The following is an entry in ClinVar:

ClinVar aggregate classification (germline): Likely pathogenic (1 of 4 stars; one submission).

Conditions:
Neurodevelopmental disorder with poor growth.

Submission:

Dubai Health Genomic Medicine Center, Dubai Health
Classification: Likely pathogenic for Neurodevelopmental disorder with poor growth. Last evaluated: 2024-10-04. Review status: criteria provided, single submitter. Criteria: ACMG Guidelines, 2015. Collection method: research. Allele origin: germline. Affected: yes.
Comment: PVS1,PM2

NM_024706.5(ZNF668):c.1197del (p.Lys399fs)

Gene: ZNF668 (zinc finger protein 668; minus strand). Cytogenetic location: 16p11.2.
Variant type: Deletion.
Coding change: c.1197del on transcript NM_024706.5 (MANE Select); coding-DNA position 1197, one base deleted (A; older notation c.1197delA).
Protein change: p.Lys399fs; shifts the reading frame from lysine 399.
Molecular consequence: frameshift variant.
Genome position (GRCh38, 1-based): chr16:31,061,731, T deleted on the plus strand (A on the coding strand, the reverse complement: ZNF668 is on the minus strand); the first of 3 consecutive T bases (chr16:31,061,731-31,061,733); deleting any one gives the same sequence. VCF-style (leftmost placement, unchanged base first): chr16-31061730-AT-A. GRCh37 (hg19) VCF-style: chr16-31073051-AT-A.
Other names: c.1197del, p.Lys399fs (NM_001172668.2, NM_001172670.2); c.1266del, p.Lys422fs (NM_001172669.2); short protein forms K399fs, K422fs.
Identifiers: ClinVar variation 3384008 (VCV003384008.1).
Genomic context (GRCh38, chr16:31,061,730, plus strand): 5'-CGGCCTCACTGCTTCGATGGGTCCGCTCGTGCTTCCTCAGGCTCGACGACACCACAAAGG[AT>A]TTCCCACATGCGTTACAGTGGAAGGGGCGCTCCCCCGAGTGCACCCGGCTATGCTTCGTG-3'